The following is an entry in ClinVar:

NM_019055.6(ROBO4):c.102C>A (p.Ile34=)

Gene: ROBO4 (roundabout guidance receptor 4; minus strand). Cytogenetic location: 11q24.2.
Variant type: single nucleotide variant.
Coding change: c.102C>A on transcript NM_019055.6 (MANE Select); coding-DNA position 102, C replaced by A.
Protein change: p.Ile34=; no amino-acid change (isoleucine 34 retained).
Molecular consequence: synonymous variant. On other transcripts: intron variant (1).
Genome position (GRCh38, 1-based): chr11:124,897,230, G>T on the plus strand (C>A on the coding strand, the complement: ROBO4 is on the minus strand). VCF-style: chr11-124897230-G-T. GRCh37 (hg19) VCF-style: chr11-124767126-G-T.
Other names: c.-159-175C>A (NM_001301088.2).
Identifiers: ClinVar variation 2691241 (VCV002691241.6), dbSNP rs117911608, ClinGen allele CA6345412.

ClinVar aggregate classification (germline): Benign/Likely benign. Review status: criteria provided, multiple submitters, no conflicts (2 of 4 stars). 3 submissions from 3 submitters: Benign (1); Likely benign (2). Last evaluated 2026-03-01.

Conditions:
Familial thoracic aortic aneurysm and aortic dissection (TAAD). Also called: Thoracic aortic aneurysms and dissections. Identifiers: Orphanet 91387, MedGen C4707243, MONDO:0019625.

Allele frequency attached by ClinVar (database versions not stated): 1000 Genomes Project 0.00180; 1000 Genomes Project 30x 0.00219; TOPMed 0.00468; gnomAD 0.00497; ESP Exome Variant Server 0.00527; ExAC 0.01155.

Submissions (3):

CeGaT Center for Human Genetics Tuebingen
Classification: Likely benign. Last evaluated: 2026-03-01. Review status: criteria provided, single submitter. Criteria: CeGaT Center For Human Genetics Tuebingen Variant Classification Criteria Version 2. Collection method: clinical testing. Allele origin: germline. Affected: yes. Observed: 1 variant allele.
Comment: ROBO4: BP4, BP7, BS2

Blueprint Genetics
Classification: Likely benign. Last evaluated: 2024-11-22. Review status: criteria provided, single submitter. Criteria: ACMG Guidelines, 2015. Collection method: clinical testing. Allele origin: germline.

CHEO Genetics Diagnostic Laboratory, Children's Hospital of Eastern Ontario
Classification: Benign for Familial thoracic aortic aneurysm and aortic dissection. Last evaluated: 2022-11-18. Review status: criteria provided, single submitter. Criteria: ACMG Guidelines, 2015. Collection method: clinical testing. Allele origin: germline.